The following is an entry in ClinVar:

NM_153252.5(BRWD3):c.3396A>T (p.Lys1132Asn)

Gene: BRWD3 (bromodomain and WD repeat domain containing 3; minus strand). Cytogenetic location: Xq21.1.
Variant type: single nucleotide variant.
Coding change: c.3396A>T on transcript NM_153252.5 (MANE Select); coding-DNA position 3396, A replaced by T.
Protein change: p.Lys1132Asn; replaces lysine 1132 with asparagine.
Molecular consequence: missense variant.
Genome position (GRCh38, 1-based): chrX:80,691,908, T>A on the plus strand (A>T on the coding strand, the complement: BRWD3 is on the minus strand). VCF-style: chrX-80691908-T-A. GRCh37 (hg19) VCF-style: chrX-79947407-T-A.
Other names: c.3246A>T, p.Lys1082Asn (NM_001441339.1); short protein forms K1082N, K1132N.
Identifiers: ClinVar variation 4686292 (VCV004686292.1).

ClinVar aggregate classification (germline): Uncertain significance (1 of 4 stars; one submission).

Submission:

GeneDx
Classification: Uncertain significance. Last evaluated: 2025-07-17. Review status: criteria provided, single submitter. Criteria: GeneDx Variant Classification Process June 2021. Collection method: clinical testing. Allele origin: germline. Affected: yes.
Comment: Not observed at significant frequency in large population cohorts (gnomAD); In silico analysis supports that this missense variant has a deleterious effect on protein structure/function; Has not been previously published as pathogenic or benign to our knowledge